The following is an entry in ClinVar:

NM_000434.4(NEU1):c.43dup (p.Trp15fs)

Gene: NEU1 (neuraminidase 1; minus strand). Cytogenetic location: 6p21.33.
Variant type: Duplication.
Coding change: c.43dup on transcript NM_000434.4 (MANE Select); coding-DNA position 43, one base duplicated (T; older notation c.43dupT).
Protein change: p.Trp15fs; shifts the reading frame from tryptophan 15.
Molecular consequence: frameshift variant.
Genome position (GRCh38, 1-based): chr6:31,862,734, A duplicated on the plus strand (T on the coding strand, the reverse complement: NEU1 is on the minus strand). VCF-style (leftmost placement, unchanged base first): chr6-31862733-C-CA. GRCh37 (hg19) VCF-style: chr6-31830510-C-CA.
Other names: short protein forms W15fs.
Identifiers: ClinVar variation 2008260 (VCV002008260.4), dbSNP rs2481414438, ClinGen allele CA2580074274.
Genomic context (GRCh38, chr6:31,862,733, plus strand): 5'-AAGATCGCGGCAAACACCCAAACCCTACAGCCTCCCCAGAAGCCCAGAATCCGCGGCCCC[C>CA]AGCGTCTGTCCGGGAGCGCCGTGCTGGGTCGCTCCCCAGTCATCTCTCCCCGCAGCTGCC-3'

ClinVar aggregate classification (germline): Pathogenic (1 of 4 stars; one submission).

Submission:

Labcorp Genetics (formerly Invitae), Labcorp
Classification: Pathogenic. Last evaluated: 2023-07-26. Review status: criteria provided, single submitter. Criteria: Invitae Variant Classification Sherloc (09022015). Collection method: clinical testing. Allele origin: germline.
Comment: This variant has not been reported in the literature in individuals affected with NEU1-related conditions. For these reasons, this variant has been classified as Pathogenic. ClinVar contains an entry for this variant (Variation ID: 2008260). This variant is not present in population databases (gnomAD no frequency). This sequence change creates a premature translational stop signal (p.Trp15Leufs*13) in the NEU1 gene. It is expected to result in an absent or disrupted protein product. Loss-of-function variants in NEU1 are known to be pathogenic (PMID: 11063730, 14517945).

Literature cited by the submitters: PubMed 11063730; PubMed 14517945.